The following is an entry in ClinVar:

ClinVar aggregate classification (germline): Uncertain significance (1 of 4 stars; one submission).

Conditions:
Thrombophilia, X-linked, due to factor 9 defect. Identifiers: MedGen C2749016, MONDO:0010432, OMIM 300807.
Hereditary factor IX deficiency disease (HEMB). Also called: Christmas Disease; F9 DEFICIENCY; FACTOR IX DEFICIENCY; PLASMA THROMBOPLASTIN COMPONENT DEFICIENCY; Hemophilia B. Identifiers: Orphanet 98879, MedGen C0008533, MeSH D002836, MONDO:0010604, OMIM 306900.

Submission:

Labcorp Genetics (formerly Invitae), Labcorp
Classification: Uncertain significance for Thrombophilia, X-linked, due to factor 9 defect; Hereditary factor IX deficiency disease. Last evaluated: 2024-07-25. Review status: criteria provided, single submitter. Criteria: Invitae Variant Classification Sherloc (09022015). Collection method: clinical testing. Allele origin: germline.
Comment: This sequence change falls in intron 1 of the F9 gene. It does not directly change the encoded amino acid sequence of the F9 protein. It affects a nucleotide within the consensus splice site. This variant is not present in population databases (gnomAD no frequency). This variant has been observed in individual(s) with F9-related conditions and/or hemophilia B (PMID: 29296726; Invitae). Variants that disrupt the consensus splice site are a relatively common cause of aberrant splicing (PMID: 17576681, 9536098). Algorithms developed to predict the effect of sequence changes on RNA splicing suggest that this variant is not likely to affect RNA splicing. In summary, the available evidence is currently insufficient to determine the role of this variant in disease. Therefore, it has been classified as a Variant of Uncertain Significance.

Literature cited by the submitters: PubMed 29296726; PubMed 17576681; PubMed 9536098.

NM_000133.4(F9):c.89-3C>A

Gene: F9 (coagulation factor IX; plus strand). Cytogenetic location: Xq27.1.
Variant type: single nucleotide variant.
Coding change: c.89-3C>A on transcript NM_000133.4 (MANE Select); 3 bases into the intron before coding-DNA position 89, C replaced by A.
Molecular consequence: intron variant.
Genome position (GRCh38, 1-based): chrX:139,537,007, C>A. VCF-style: chrX-139537007-C-A. GRCh37 (hg19) VCF-style: chrX-138619166-C-A.
Other names: c.89-3C>A (NM_001313913.2).
Identifiers: ClinVar variation 3760734 (VCV003760734.2).
Genomic context (GRCh38, chrX:139,537,007, plus strand): 5'-TGTAAAATTTTCATGATGTTTTCTTTTTTGCTAAAACTAAAGAATTATTCTTTTACATTT[C>A]AGTTTTTCTTGATCATGAAAACGCCAACAAAATTCTGAATCGGCCAAAGAGGTATAATTC-3'